The following is an entry in ClinVar:

ClinVar aggregate classification (germline): Likely pathogenic (1 of 4 stars; one submission).

Conditions:
Intellectual developmental disorder, X-linked, syndromic, Bain type. Also called: HNRNPH2-Related Neurodevelopmental Disorder; Intellectual disability, X-linked, syndromic, Bain type. Identifiers: Orphanet 662198, MedGen C4310814, MONDO:0010512, OMIM 300986.

Submission:

Genetics Laboratory, UDIAT-Centre Diagnòstic, Hospital Universitari Parc Tauli
Classification: Likely pathogenic for Intellectual developmental disorder, X-linked, syndromic, Bain type. Last evaluated: 2022-10-04. Review status: criteria provided, single submitter. Criteria: Parc Tauli Hospital Assertion Criteria 2021. Collection method: clinical testing. Allele origin: maternal. Inheritance: X-linked inheritance. Affected: yes.
Comment: PVS1_strong;PM2_supporting;PM3_supporting

NM_019597.5(HNRNPH2):c.460del (p.Glu154fs)

Genes: HNRNPH2 (heterogeneous nuclear ribonucleoprotein H2; plus strand), RPL36A-HNRNPH2 (RPL36A-HNRNPH2 readthrough; plus strand). Cytogenetic location: Xq22.1.
Variant type: Deletion.
Coding change: c.460del on transcript NM_019597.5 (MANE Select); coding-DNA position 460, one base deleted (G; older notation c.460delG).
Protein change: p.Glu154fs; shifts the reading frame from glutamic acid 154.
Molecular consequence: frameshift variant. On other transcripts: 3 prime UTR variant (2).
Genome position (GRCh38, 1-based): chrX:101,412,448, G deleted; the last of 4 consecutive G bases (chrX:101,412,445-101,412,448); deleting any one gives the same sequence. VCF-style (leftmost placement, unchanged base first): chrX-101412444-AG-A. GRCh37 (hg19) VCF-style: chrX-100667432-AG-A.
Other names: c.*456del (NM_001199973.2, NM_001199974.2); c.460del, p.Glu154fs (NM_001032393.3); short protein forms E154fs.
Identifiers: ClinVar variation 1708226 (VCV001708226.2), dbSNP rs2520983929, ClinGen allele CA2580100125.